The following is an entry in ClinVar:

ClinVar aggregate classification (germline): Benign. Review status: criteria provided, multiple submitters, no conflicts (2 of 4 stars). 10 submissions from 9 submitters: Benign (9). 1 of the submissions does not count toward it. Last evaluated 2026-02-04.

Conditions:
Joubert syndrome 1 (JBTS1). Also called: Cerebellooculorenal syndrome 1; CEREBELLOPARENCHYMAL DISORDER IV. Identifiers: MedGen C4551568, MONDO:0008944, OMIM 213300.
Joubert syndrome. Also called: Familial aplasia of the vermis; JOUBERT-BOLTSHAUSER SYNDROME. Identifiers: Orphanet 475, MedGen C5979921, MONDO:0018772.
MORM syndrome (MORMS). Identifiers: Orphanet 75858, MedGen C1857802, MONDO:0012423, OMIM 610156.

Allele frequency attached by ClinVar (database versions not stated): ESP Exome Variant Server 0.09873; TOPMed 0.12275; 1000 Genomes Project 0.12839; 1000 Genomes Project 30x 0.12929.
gnomAD v4.1: 209,147 of 1,551,346 alleles (13%); highest among the groups gnomAD compares: Admixed American, 24%; 15,270 homozygotes.

Submissions (10):

Labcorp Genetics (formerly Invitae), Labcorp
Classification: Benign for Joubert syndrome. Last evaluated: 2026-02-04. Review status: criteria provided, single submitter. Criteria: Invitae Variant Classification Sherloc (09022015). Collection method: clinical testing. Allele origin: germline.

Blueprint Genetics
Classification: Benign. Last evaluated: 2024-11-27. Review status: criteria provided, single submitter. Criteria: ACMG Guidelines, 2015. Collection method: clinical testing. Allele origin: germline.

Mayo Clinic Laboratories, Mayo Clinic
Classification: Benign. Last evaluated: 2022-03-09. Review status: criteria provided, single submitter. Criteria: ACMG Guidelines, 2015. Collection method: clinical testing. Allele origin: germline. Observed: 17 variant alleles.

Genome-Nilou Lab
Classification: Benign for Joubert syndrome 1. Last evaluated: 2021-08-19. Review status: criteria provided, single submitter. Criteria: ACMG Guidelines, 2015. Collection method: clinical testing. Allele origin: germline. Affected: no.

Genome-Nilou Lab
Classification: Benign for MORM syndrome. Last evaluated: 2021-08-19. Review status: criteria provided, single submitter. Criteria: ACMG Guidelines, 2015. Collection method: clinical testing. Allele origin: germline. Affected: no.

Illumina Laboratory Services, Illumina
Classification: Benign for Joubert syndrome 1. Last evaluated: 2018-01-13. Review status: criteria provided, single submitter. Criteria: ICSL Variant Classification Criteria 13 December 2019. Collection method: clinical testing. Allele origin: germline.
Comment: This variant was observed in the ICSL laboratory as part of a predisposition screen in an ostensibly healthy population. It had not been previously curated by ICSL or reported in the Human Gene Mutation Database (HGMD: prior to June 1st, 2018), and was therefore a candidate for classification through an automated scoring system. Utilizing variant allele frequency, disease prevalence and penetrance estimates, and inheritance mode, an automated score was calculated to assess if this variant is too frequent to cause the disease. Based on the score and internal cut-off values, a variant classified as benign is not then subjected to further curation. The score for this variant resulted in a classification of benign for this disease.

GeneDx
Classification: Benign. Last evaluated: 2014-02-27. Review status: criteria provided, single submitter. Criteria: GeneDx Variant Classification (06012015). Collection method: clinical testing. Allele origin: germline. Affected: yes.
Comment: This variant is considered likely benign or benign based on one or more of the following criteria: it is a conservative change, it occurs at a poorly conserved position in the protein, it is predicted to be benign by multiple in silico algorithms, and/or has population frequency not consistent with disease.

Breakthrough Genomics
Classification: Benign. Review status: criteria provided, single submitter. Criteria: ACMG Guidelines, 2015. Collection method: not provided. Allele origin: germline. Inheritance: Autosomal recessive inheritance. Affected: yes.

PreventionGenetics, part of Exact Sciences
Classification: Benign. Review status: criteria provided, single submitter. Criteria: ACMG Guidelines, 2015. Collection method: clinical testing. Allele origin: germline.

Genetic Services Laboratory, University of Chicago
Classification: Likely benign for AllHighlyPenetrant. Review status: no assertion criteria provided. Collection method: clinical testing. Allele origin: germline. Inheritance: Autosomal recessive inheritance. Not counted in ClinVar's aggregate classification.
Comment: Likely benign based on allele frequency in 1000 Genomes Project or ESP global frequency and its presence in a patient with a rare or unrelated disease phenotype. NOT Sanger confirmed.

NM_019892.6(INPP5E):c.1791G>A (p.Pro597=)

Gene: INPP5E (inositol polyphosphate-5-phosphatase E; minus strand). Cytogenetic location: 9q34.3.
Variant type: single nucleotide variant.
Coding change: c.1791G>A on transcript NM_019892.6 (MANE Select); coding-DNA position 1791, G replaced by A.
Protein change: p.Pro597=; no amino-acid change (proline 597 retained).
Molecular consequence: synonymous variant.
Genome position (GRCh38, 1-based): chr9:136,430,288, C>T on the plus strand (G>A on the coding strand, the complement: INPP5E is on the minus strand). VCF-style: chr9-136430288-C-T. GRCh37 (hg19) VCF-style: chr9-139324740-C-T.
Other names: p.P597P:CCG>CCA; p.Pro597=; c.1788G>A, p.Pro596= (NM_001318502.2).
Identifiers: ClinVar variation 129270 (VCV000129270.26), dbSNP rs10870182, ClinGen allele CA153164.